The following is an entry in ClinVar:

NM_003900.5(SQSTM1):c.1060_1061del (p.Gln354fs)

Gene: SQSTM1 (sequestosome 1; plus strand). Cytogenetic location: 5q35.3.
Variant type: Deletion.
Coding change: c.1060_1061del on transcript NM_003900.5 (MANE Select); coding-DNA positions 1060 to 1061, 2 bases deleted (CA; older notation c.1060_1061delCA).
Protein change: p.Gln354fs; shifts the reading frame from glutamine 354.
Molecular consequence: frameshift variant.
Genome position (GRCh38, 1-based): chr5:179,833,677-179,833,678, CA deleted. VCF-style (leftmost placement, unchanged base first): chr5-179833676-CCA-C. GRCh37 (hg19) VCF-style: chr5-179260676-CCA-C.
Other names: c.808_809del, p.Gln270fs (NM_001142298.2, NM_001142299.2); short protein forms Q270fs, Q354fs.
Identifiers: ClinVar variation 976109 (VCV000976109.6), dbSNP rs781417955, ClinGen allele CA3600790.

ClinVar aggregate classification (germline): Uncertain significance. Review status: criteria provided, multiple submitters, no conflicts (2 of 4 stars). 2 submissions from 2 submitters: Uncertain significance (2). Last evaluated 2025-09-23.

Conditions:
Paget disease of bone 2, early-onset (PDB2). Also called: Paget disease of bone 2. Identifiers: MedGen C4085251, MONDO:0011183, OMIM 602080.
Frontotemporal dementia and/or amyotrophic lateral sclerosis 1 (FTDALS1). Also called: C9orf72 Frontotemporal Dementia and/or Amyotrophic Lateral Sclerosis; Frontotemporal dementia with motor neuron disease 1. Identifiers: Orphanet 275872, MedGen C5779877, MONDO:0007105, OMIM 105550.
Neurodegeneration with ataxia, dystonia, and gaze palsy, childhood-onset (NADGP). Identifiers: MedGen C4310693, MONDO:0014940, OMIM 617145.

Allele frequency attached by ClinVar (database versions not stated): gnomAD exomes 0.00001; TOPMed 0.00001; ExAC 0.00002.

Submissions (2):

Labcorp Genetics (formerly Invitae), Labcorp
Classification: Uncertain significance for Paget disease of bone 2, early-onset; Frontotemporal dementia and/or amyotrophic lateral sclerosis 1. Last evaluated: 2025-09-23. Review status: criteria provided, single submitter. Criteria: Invitae Variant Classification Sherloc (09022015). Collection method: clinical testing. Allele origin: germline.
Comment: This sequence change creates a premature translational stop signal (p.Gln354Valfs*37) in the SQSTM1 gene. While this is not anticipated to result in nonsense mediated decay, it is expected to disrupt the last 87 amino acid(s) of the SQSTM1 protein. This variant is present in population databases (rs781417955, gnomAD 0.003%). This variant has not been reported in the literature in individuals affected with SQSTM1-related conditions. ClinVar contains an entry for this variant (Variation ID: 976109). In summary, the available evidence is currently insufficient to determine the role of this variant in disease. Therefore, it has been classified as a Variant of Uncertain Significance.

Institute of Human Genetics, University of Leipzig Medical Center
Classification: Uncertain significance for Neurodegeneration with ataxia, dystonia, and gaze palsy, childhood-onset. Last evaluated: 2017-01-04. Review status: criteria provided, single submitter. Criteria: ACMG Guidelines, 2015. Collection method: clinical testing. Allele origin: germline. Affected: yes. Observed: 1 variant allele.